The following is an entry in ClinVar:

ClinVar aggregate classification (germline): Uncertain significance (1 of 4 stars; one submission).

gnomAD v4.1: 1 of 1,613,664 alleles (0.000062%); highest among the groups gnomAD compares: Non-Finnish European, 0.000085%; no homozygotes.

Submission:

GeneDx
Classification: Uncertain significance. Last evaluated: 2023-04-05. Review status: criteria provided, single submitter. Criteria: GeneDx Variant Classification Process June 2021. Collection method: clinical testing. Allele origin: germline.
Comment: Not observed at significant frequency in large population cohorts (gnomAD); In silico analysis supports that this missense variant has a deleterious effect on protein structure/function; Has not been previously published as pathogenic or benign to our knowledge; Variants in candidate genes are classified as variants of uncertain significance in accordance with ACMG guidelines (Richards et al., 2015)

NM_002332.3(LRP1):c.4357G>A (p.Ala1453Thr)

Genes: LRP1 (LDL receptor related protein 1; plus strand), LOC126861539 (CDK7 strongly-dependent group 2 enhancer GRCh37_chr12:57570347-57571546; plus strand). Cytogenetic location: 12q13.3.
Variant type: single nucleotide variant.
Coding change: c.4357G>A on transcript NM_002332.3 (MANE Select); coding-DNA position 4357, G replaced by A.
Protein change: p.Ala1453Thr; replaces alanine 1453 with threonine.
Molecular consequence: missense variant.
Genome position (GRCh38, 1-based): chr12:57,177,587, G>A. VCF-style: chr12-57177587-G-A. GRCh37 (hg19) VCF-style: chr12-57571370-G-A.
Other names: short protein forms A1453T.
Identifiers: ClinVar variation 4976638 (VCV004976638.1).